The following is an entry in ClinVar:

NC_000001.10:g.(?_149895434)_(156851434_?)dup

Genes: ECM1 (extracellular matrix protein 1; plus strand), LELP1 (late cornified envelope like proline rich 1; plus strand), SCAMP3 (secretory carrier membrane protein 3; minus strand), NAXE (NAD(P)HX epimerase; plus strand), CLK2 (CDC like kinase 2; minus strand) and 225 more. Cytogenetic location: 1q21.2-23.1.
Variant type: Duplication.
Identifiers: ClinVar variation 1445481 (VCV001445481.38).

ClinVar aggregate classification (germline): Uncertain significance. Review status: criteria provided, single submitter (1 of 4 stars). 4 submissions from 1 submitter: Uncertain significance (4). Last evaluated 2024-01-27.

Conditions:
Autosomal recessive mendelian susceptibility to mycobacterial diseases due to complete RORgamma receptor deficiency. Also called: Immunodeficiency 42. Identifiers: Orphanet 477857, MedGen C5567647, MONDO:0014710, OMIM 616622.
Congenital neutropenia-myelofibrosis-nephromegaly syndrome. Also called: Severe congenital neutropenia 5, autosomal recessive. Identifiers: Orphanet 369852, MedGen C3809031, MONDO:0014118, OMIM 615285.
Kostmann syndrome (SCN3). Also called: KOSTMANN DISEASE; Autosomal recessive severe congenital neutropenia type 3. Identifiers: Orphanet 99749, MedGen C5235141, MONDO:0012548, OMIM 610738.
MHC class II deficiency. Also called: BLS, TYPE II; Bare lymphocyte syndrome 2. Identifiers: Orphanet 572, MedGen C5447452, MONDO:0008855.

Submissions (4):

Labcorp Genetics (formerly Invitae), Labcorp
Classification: Uncertain significance for Congenital neutropenia-myelofibrosis-nephromegaly syndrome. Last evaluated: 2024-01-27. Review status: criteria provided, single submitter. Criteria: Invitae Variant Classification Sherloc (09022015). Collection method: clinical testing. Allele origin: germline.
Comment: A copy number gain of the genomic region encompassing the full coding sequence of the VPS45 gene has been identified. The boundaries of this event are unknown as they extend beyond the assayed region for this gene and therefore may encompass additional genes. As the precise location of this event is unknown, it may be in tandem or it may be located elsewhere in the genome. This variant has not been reported in the literature in individuals affected with VPS45-related conditions. Experimental studies and prediction algorithms are not available or were not evaluated, and the functional significance of this variant is currently unknown. In summary, the available evidence is currently insufficient to determine the role of this variant in disease. Therefore, it has been classified as a Variant of Uncertain Significance.

Labcorp Genetics (formerly Invitae), Labcorp
Classification: Uncertain significance for Kostmann syndrome. Last evaluated: 2024-01-27. Review status: criteria provided, single submitter. Criteria: Invitae Variant Classification Sherloc (09022015). Collection method: clinical testing. Allele origin: germline.
Comment: A copy number gain of the genomic region encompassing the full coding sequence of the HAX1 gene has been identified. The boundaries of this event are unknown as they extend beyond the assayed region for this gene and therefore may encompass additional genes. As the precise location of this event is unknown, it may be in tandem or it may be located elsewhere in the genome. This variant has not been reported in the literature in individuals affected with HAX1-related conditions. Experimental studies and prediction algorithms are not available or were not evaluated, and the functional significance of this variant is currently unknown. In summary, the available evidence is currently insufficient to determine the role of this variant in disease. Therefore, it has been classified as a Variant of Uncertain Significance.

Labcorp Genetics (formerly Invitae), Labcorp
Classification: Uncertain significance for Autosomal recessive mendelian susceptibility to mycobacterial diseases due to complete RORgamma receptor deficiency. Last evaluated: 2021-03-25. Review status: criteria provided, single submitter. Criteria: Invitae Variant Classification Sherloc (09022015). Collection method: clinical testing. Allele origin: germline.
Comment: In summary, the available evidence is currently insufficient to determine the role of this variant in disease. Therefore, it has been classified as a Variant of Uncertain Significance. Experimental studies and prediction algorithms are not available or were not evaluated, and the functional significance of this variant is currently unknown. This variant has not been reported in the literature in individuals with RORC-related conditions. A copy number gain of the genomic region encompassing the full coding sequence of the RORC gene has been identified. The boundaries of this event are unknown as they extend beyond the assayed region for this gene and therefore may encompass additional genes. As the precise location of this event is unknown, it may be in tandem or it may be located elsewhere in the genome.

Labcorp Genetics (formerly Invitae), Labcorp
Classification: Uncertain significance for MHC class II deficiency. Last evaluated: 2021-03-25. Review status: criteria provided, single submitter. Criteria: Invitae Variant Classification Sherloc (09022015). Collection method: clinical testing. Allele origin: germline.
Comment: In summary, the available evidence is currently insufficient to determine the role of this variant in disease. Therefore, it has been classified as a Variant of Uncertain Significance. Experimental studies and prediction algorithms are not available or were not evaluated, and the functional significance of this variant is currently unknown. This variant has not been reported in the literature in individuals with RFX5-related conditions. A copy number gain of the genomic region encompassing the full coding sequence of the RFX5 gene has been identified. The boundaries of this event are unknown as they extend beyond the assayed region for this gene and therefore may encompass additional genes. As the precise location of this event is unknown, it may be in tandem or it may be located elsewhere in the genome.